The following is an entry in ClinVar:

NM_000535.7(PMS2):c.1970del (p.Asn657fs)

Gene: PMS2 (PMS1 homolog 2, mismatch repair system component; minus strand). Cytogenetic location: 7p22.1.
Variant type: Deletion.
Coding change: c.1970del on transcript NM_000535.7 (MANE Select); coding-DNA position 1970, one base deleted (A; older notation c.1970delA).
Protein change: p.Asn657fs; shifts the reading frame from asparagine 657.
Molecular consequence: frameshift variant. On other transcripts: non-coding transcript variant (1).
Genome position (GRCh38, 1-based): chr7:5,986,795, T deleted on the plus strand (A on the coding strand, the reverse complement: PMS2 is on the minus strand); the first of 4 consecutive T bases (chr7:5,986,795-5,986,798); deleting any one gives the same sequence. VCF-style (leftmost placement, unchanged base first): chr7-5986794-AT-A. GRCh37 (hg19) VCF-style: chr7-6026425-AT-A.
Other names: c.1970del (NM_000535.5); c.1565del, p.Asn522fs (NM_001322003.2, NM_001322004.2, NM_001322005.2 and 1 more transcripts); c.1814del, p.Asn605fs (NM_001322006.2); c.1652del, p.Asn551fs (NM_001322007.2, NM_001322008.2); c.1409del, p.Asn470fs (NM_001322010.2); c.1037del, p.Asn346fs (NM_001322011.2, NM_001322012.2); c.1397del, p.Asn466fs (NM_001322013.2); c.1970del, p.Asn657fs (NM_001322014.2); and 1 more; short protein forms N470fs, N466fs, N522fs, N605fs, N554fs, N657fs, N346fs, N551fs.
Identifiers: ClinVar variation 496034 (VCV000496034.16), dbSNP rs1064794566, ClinGen allele CA658683463.

ClinVar aggregate classification (germline): Pathogenic/Likely pathogenic. Review status: criteria provided, multiple submitters, no conflicts (2 of 4 stars). 6 submissions from 6 submitters: Pathogenic (4); Likely pathogenic (2). Last evaluated 2025-11-19.

Conditions:
Lynch syndrome. Identifiers: Orphanet 144, MedGen C4552100, MONDO:0005835. Disease mechanism: loss of function.
Hereditary nonpolyposis colorectal neoplasms. Identifiers: MedGen C0009405, MeSH D003123.
Hereditary cancer-predisposing syndrome. Also called: Tumor predisposition; Neoplastic Syndromes, Hereditary; Hereditary neoplastic syndrome; Hereditary Cancer Syndrome. Identifiers: Orphanet 140162, MedGen C0027672, MeSH D009386, MONDO:0015356.
Lynch syndrome 4 (LYNCH4). Also called: Colorectal cancer, hereditary nonpolyposis, type 4; Hereditary non-polyposis colorectal cancer, type 4. Identifiers: Orphanet 144, MedGen C1838333, MONDO:0013699, OMIM 614337. Disease mechanism: loss of function.

Submissions (6):

Ambry Genetics
Classification: Pathogenic for Hereditary cancer-predisposing syndrome. Last evaluated: 2025-11-19. Review status: criteria provided, single submitter. Criteria: Ambry Variant Classification Scheme 2023. Collection method: clinical testing. Allele origin: germline.
Comment: The c.1970delA pathogenic mutation, located in coding exon 11 of the PMS2 gene, results from a deletion of one nucleotide at nucleotide position 1970, causing a translational frameshift with a predicted alternate stop codon (p.N657Ifs*8). This variant is considered to be rare based on population cohorts in the Genome Aggregation Database (gnomAD). This alteration is expected to result in loss of function by premature protein truncation or nonsense-mediated mRNA decay. As such, this alteration is interpreted as a disease-causing mutation.

Labcorp Genetics (formerly Invitae), Labcorp
Classification: Pathogenic for Hereditary nonpolyposis colorectal neoplasms. Last evaluated: 2023-10-23. Review status: criteria provided, single submitter. Criteria: Invitae Variant Classification Sherloc (09022015). Collection method: clinical testing. Allele origin: germline.
Comment: This sequence change creates a premature translational stop signal (p.Asn657Ilefs*8) in the PMS2 gene. It is expected to result in an absent or disrupted protein product. Loss-of-function variants in PMS2 are known to be pathogenic (PMID: 21376568, 24362816). This variant is not present in population databases (gnomAD no frequency). This variant has not been reported in the literature in individuals affected with PMS2-related conditions. ClinVar contains an entry for this variant (Variation ID: 496034). For these reasons, this variant has been classified as Pathogenic.

Myriad Genetics, Inc.
Classification: Pathogenic for Lynch syndrome 4. Last evaluated: 2023-09-21. Review status: criteria provided, single submitter. Criteria: Myriad Autosomal Dominant, Autosomal Recessive and X-Linked Classification Criteria (2023). Collection method: clinical testing. Allele origin: unknown.
Comment: This variant is considered pathogenic. This variant creates a frameshift predicted to result in premature protein truncation.

Baylor Genetics
Classification: Pathogenic for Lynch syndrome 4. Last evaluated: 2021-05-27. Review status: criteria provided, single submitter. Criteria: ACMG Guidelines, 2015. Collection method: clinical testing. Allele origin: unknown.

Quest Diagnostics Nichols Institute San Juan Capistrano
Classification: Likely pathogenic. Last evaluated: 2020-07-20. Review status: criteria provided, single submitter. Criteria: Quest Diagnostics criteria. Collection method: clinical testing. Allele origin: unknown.
Comment: The variant results in a shift of the reading frame, and is therefore predicted to result in the loss of a functional protein. Not found in the total gnomAD dataset, and the data is high quality.

Women's Health and Genetics/Laboratory Corporation of America, LabCorp
Classification: Likely pathogenic for Hereditary nonpolyposis colon cancer. Last evaluated: 2016-08-03. Review status: criteria provided, single submitter. Criteria: LabCorp Variant Classification Summary - May 2015. Collection method: clinical testing. Allele origin: germline.
Comment: Variant summary: The PMS2 c.1970delA (p.Asn657Ilefs) variant results in a premature termination codon, predicted to cause a truncated or absent PMS2 protein due to nonsense mediated decay, which are commonly known mechanisms for disease. The variant of interest has not been observed in controls (ExAC, 1000 Gs or ESP), nor has it been, to our knowledge, reported in affected individuals via publications and/or reputable databases/clinical laboratories. Therefore, taking all available lines of evidence into consideration, the variant of interest has been classified as likely pathogenic until additional information becomes available.

Literature cited by the submitters: PubMed 21376568 (cited by Labcorp Genetics (formerly Invitae), Labcorp); PubMed 24362816 (cited by Labcorp Genetics (formerly Invitae), Labcorp); PubMed 24689082 (cited by Quest Diagnostics Nichols Institute San Juan Capistrano).